The following is an entry in ClinVar:

ClinVar aggregate classification (germline): Uncertain significance (1 of 4 stars; one submission).

Submission:

Ambry Genetics
Classification: Uncertain significance. Last evaluated: 2022-01-29. Review status: criteria provided, single submitter. Criteria: Ambry Variant Classification Scheme 2023. Collection method: clinical testing. Allele origin: germline.
Comment: The p.F2680C variant (also known as c.8039T>G), located in coding exon 59 of the PRKDC gene, results from a T to G substitution at nucleotide position 8039. The phenylalanine at codon 2680 is replaced by cysteine, an amino acid with highly dissimilar properties. This amino acid position is conserved. In addition, this alteration is predicted to be tolerated by in silico analysis. Since supporting evidence is limited at this time, the clinical significance of this alteration remains unclear.

NM_006904.7(PRKDC):c.8039T>G (p.Phe2680Cys)

Gene: PRKDC (protein kinase, DNA-activated, catalytic subunit; minus strand). Cytogenetic location: 8q11.21.
Variant type: single nucleotide variant.
Coding change: c.8039T>G on transcript NM_006904.7 (MANE Select); coding-DNA position 8039, T replaced by G.
Protein change: p.Phe2680Cys; replaces phenylalanine 2680 with cysteine.
Molecular consequence: missense variant.
Genome position (GRCh38, 1-based): chr8:47,834,309, A>C on the plus strand (T>G on the coding strand, the complement: PRKDC is on the minus strand). VCF-style: chr8-47834309-A-C. GRCh37 (hg19) VCF-style: chr8-48746870-A-C.
Other names: c.8039T>G, p.Phe2680Cys (NM_001081640.2); short protein forms F2680C.
Identifiers: ClinVar variation 1761753 (VCV001761753.2), dbSNP rs2551867078, ClinGen allele CA371149676.
Genomic context (GRCh38, chr8:47,834,309, plus strand): 5'-AAATCAGGCCCCACTGACTTCAAGGGTGCTCTCTGTAACCTTTCACTCCTCTTGTGGGCA[A>C]ACAGCAAGGAGTCAGATGAGGGACTGGTGTGGTCGACCAGCGGGTCAGTGCTGCTCCCGG-3'
Protein context (NP_008835.5, residues 2670-2690): HTSPSSDSLL[Phe2680Cys]AHKRSERLQR